The following is an entry in ClinVar:

ClinVar aggregate classification (germline): Uncertain significance (1 of 4 stars; one submission).

Conditions:
Ehlers-Danlos syndrome, classic type, 1 (EDSCL1). Also called: EHLERS-DANLOS SYNDROME, GRAVIS TYPE; EHLERS-DANLOS SYNDROME, SEVERE CLASSIC TYPE; Ehlers-Danlos syndrome, type 1; Ehlers-Danlos Syndrome, Classic Type, COL5A1-Related; EDS I. Identifiers: MedGen C0268335, MONDO:0019567, OMIM 130000.

gnomAD v4.1: 1 of 1,613,992 alleles (0.000062%); highest among the groups gnomAD compares: Non-Finnish European, 0.000085%; no homozygotes.

Submission:

Labcorp Genetics (formerly Invitae), Labcorp
Classification: Uncertain significance for Ehlers-Danlos syndrome, classic type, 1. Last evaluated: 2024-03-13. Review status: criteria provided, single submitter. Criteria: Invitae Variant Classification Sherloc (09022015). Collection method: clinical testing. Allele origin: germline.
Comment: This sequence change replaces glycine, which is neutral and non-polar, with arginine, which is basic and polar, at codon 208 of the COL5A1 protein (p.Gly208Arg). This variant is not present in population databases (gnomAD no frequency). This variant has not been reported in the literature in individuals affected with COL5A1-related conditions. Advanced modeling of protein sequence and biophysical properties (such as structural, functional, and spatial information, amino acid conservation, physicochemical variation, residue mobility, and thermodynamic stability) has been performed at Invitae for this missense variant, however the output from this modeling did not meet the statistical confidence thresholds required to predict the impact of this variant on COL5A1 protein function. In summary, the available evidence is currently insufficient to determine the role of this variant in disease. Therefore, it has been classified as a Variant of Uncertain Significance.

NM_000093.5(COL5A1):c.622G>C (p.Gly208Arg)

Gene: COL5A1 (collagen type V alpha 1 chain; plus strand). Cytogenetic location: 9q34.3.
Variant type: single nucleotide variant.
Coding change: c.622G>C on transcript NM_000093.5 (MANE Select); coding-DNA position 622, G replaced by C.
Protein change: p.Gly208Arg; replaces glycine 208 with arginine.
Molecular consequence: missense variant.
Genome position (GRCh38, 1-based): chr9:134,701,301, G>C. VCF-style: chr9-134701301-G-C. GRCh37 (hg19) VCF-style: chr9-137593147-G-C.
Other names: c.622G>C, p.Gly208Arg (NM_001278074.1); short protein forms G208R.
Identifiers: ClinVar variation 3635957 (VCV003635957.2).